The following is an entry in ClinVar:

ClinVar aggregate classification (germline): Uncertain significance (1 of 4 stars; one submission).

Conditions:
Autosomal dominant slowed nerve conduction velocity. Identifiers: Orphanet 140481, MedGen C1842357, MONDO:0011998, OMIM 608236.

Allele frequency attached by ClinVar (database versions not stated): TOPMed below 0.00001.
gnomAD v4.1: 1 of 1,614,182 alleles (0.000062%); highest among the groups gnomAD compares: Admixed American, 0.0017%; no homozygotes.

Submission:

Baylor Genetics
Classification: Uncertain significance for Autosomal dominant slowed nerve conduction velocity. Last evaluated: 2018-02-21. Review status: criteria provided, single submitter. Criteria: ACMG Guidelines, 2015. Collection method: clinical testing. Allele origin: maternal. Affected: yes.
Comment: This variant was determined to be of uncertain significance according to ACMG Guidelines, 2015 [PMID:25741868].

NM_014629.4(ARHGEF10):c.121G>T (p.Glu41Ter)

Gene: ARHGEF10 (Rho guanine nucleotide exchange factor 10; plus strand). Cytogenetic location: 8p23.3.
Variant type: single nucleotide variant.
Coding change: c.121G>T on transcript NM_014629.4 (MANE Select); coding-DNA position 121, G replaced by T.
Protein change: p.Glu41Ter; replaces glutamic acid 41 with a stop codon.
Molecular consequence: nonsense.
Genome position (GRCh38, 1-based): chr8:1,858,043, G>T. VCF-style: chr8-1858043-G-T. GRCh37 (hg19) VCF-style: chr8-1806209-G-T.
Other names: c.121G>T, p.Glu41Ter (NM_001308152.2, NM_001308153.3); short protein forms E65*, E41*.
Identifiers: ClinVar variation 1031837 (VCV001031837.1), dbSNP rs764859351, ClinGen allele CA369954925.